The following is an entry in ClinVar:

ClinVar aggregate classification (germline): Uncertain significance (1 of 4 stars; one submission).

gnomAD v4.1: 1 of 1,612,656 alleles (0.000062%); highest among the groups gnomAD compares: Non-Finnish European, 0.000085%; no homozygotes.

Submission:

Women's Health and Genetics/Laboratory Corporation of America, LabCorp
Classification: Uncertain significance. Last evaluated: 2025-10-30. Review status: criteria provided, single submitter. Criteria: LabCorp Variant Classification Summary - May 2015. Collection method: clinical testing. Allele origin: germline.
Comment: Variant summary: OCA2 c.1044G>A (p.Glu348Glu) alters a conserved nucleotide located close to a canonical splice site and therefore could affect mRNA splicing, leading to a significantly altered protein sequence. Several computational tools predict a significant impact on normal splicing: One predicts the variant abolishes a 5' splicing donor site and three predict the variant weakens a 5' donor site. However, these predictions have yet to be confirmed by functional studies. The variant was absent in 249516 control chromosomes. The available data on variant occurrences in the general population are insufficient to allow any conclusion about variant significance. To our knowledge, no occurrence of c.1044G>A in individuals affected with OCA2-related conditions and no experimental evidence demonstrating its impact on protein function have been reported. No submitters have cited clinical-significance assessments for this variant to ClinVar. Based on the evidence outlined above, the variant was classified as uncertain significance.

NM_000275.3(OCA2):c.1044G>A (p.Glu348=)

Gene: OCA2 (OCA2 melanosomal transmembrane protein; minus strand). Cytogenetic location: 15q13.1.
Variant type: single nucleotide variant.
Coding change: c.1044G>A on transcript NM_000275.3 (MANE Select); coding-DNA position 1044, G replaced by A.
Protein change: p.Glu348=; no amino-acid change (glutamic acid 348 retained).
Molecular consequence: synonymous variant.
Genome position (GRCh38, 1-based): chr15:28,014,776, C>T on the plus strand (G>A on the coding strand, the complement: OCA2 is on the minus strand). VCF-style: chr15-28014776-C-T. GRCh37 (hg19) VCF-style: chr15-28259922-C-T.
Other names: c.1044G>A, p.Glu348= (NM_001300984.2).
Identifiers: ClinVar variation 4687317 (VCV004687317.1).